The following is an entry in ClinVar:

ClinVar aggregate classification (germline): Likely benign (1 of 4 stars; one submission).

Submission:

CeGaT Center for Human Genetics Tuebingen
Classification: Likely benign. Last evaluated: 2026-05-01. Review status: criteria provided, single submitter. Criteria: CeGaT Center For Human Genetics Tuebingen Variant Classification Criteria Version 2. Collection method: clinical testing. Allele origin: germline. Affected: yes. Observed: 1 variant allele.
Comment: ALG1: BP4, BP7

NM_019109.5(ALG1):c.1293G>T (p.Ala431=)

Genes: ALG1 (ALG1 chitobiosyldiphosphodolichol beta-mannosyltransferase; plus strand), EEF2KMT (eukaryotic elongation factor 2 lysine methyltransferase; minus strand). Cytogenetic location: 16p13.3.
Variant type: single nucleotide variant.
Coding change: c.1293G>T on transcript NM_019109.5 (MANE Select); coding-DNA position 1293, G replaced by T.
Protein change: p.Ala431=; no amino-acid change (alanine 431 retained).
Molecular consequence: synonymous variant. On other transcripts: 3 prime UTR variant (3).
Genome position (GRCh38, 1-based): chr16:5,084,779, G>T. VCF-style: chr16-5084779-G-T. GRCh37 (hg19) VCF-style: chr16-5134780-G-T.
Other names: c.*853C>A (NM_001289029.2, NM_201400.4, NM_201598.4); c.960G>T, p.Ala320= (NM_001330504.2); c.1254G>T, p.Ala418= (NM_001438123.1).
Identifiers: ClinVar variation 4873033 (VCV004873033.2).
Genomic context (GRCh38, chr16:5,084,779, plus strand): 5'-GAGGTAAGCTCTGCTCTTTATTTTTTTGCAGATGCTTTTCTCAAACTTTCCTGATCCTGC[G>T]GGCAAGCTAAACCAGTTCCGGAAGAACCTGCGGGAGTCGCAGCAGCTCCGATGGGATGAG-3'
Protein context (NP_061982.3, residues 421-441): QMLFSNFPDP[Ala431=]GKLNQFRKNL